The following is an entry in ClinVar:

NM_001015877.2(PHF6):c.732G>C (p.Leu244Phe)

Gene: PHF6 (PHD finger protein 6; plus strand). Cytogenetic location: Xq26.2.
Variant type: single nucleotide variant.
Coding change: c.732G>C on transcript NM_001015877.2 (MANE Select); coding-DNA position 732, G replaced by C.
Protein change: p.Leu244Phe; replaces leucine 244 with phenylalanine.
Molecular consequence: missense variant.
Genome position (GRCh38, 1-based): chrX:134,415,018, G>C. VCF-style: chrX-134415018-G-C. GRCh37 (hg19) VCF-style: chrX-133549048-G-C.
Other names: c.735G>C, p.Leu245Phe (NM_032335.3); c.732G>C, p.Leu244Phe (NM_032458.3); short protein forms L244F, L245F.
Identifiers: ClinVar variation 1303761 (VCV001303761.3), dbSNP rs2124250295, ClinGen allele CA414713112.

ClinVar aggregate classification (germline): Uncertain significance (1 of 4 stars; one submission).

Submission:

GeneDx
Classification: Uncertain significance. Last evaluated: 2025-02-06. Review status: criteria provided, single submitter. Criteria: GeneDx Variant Classification Process June 2021. Collection method: clinical testing. Allele origin: germline. Affected: yes.
Comment: Not observed at significant frequency in large population cohorts (gnomAD); In silico analysis indicates that this missense variant does not alter protein structure/function; This variant is associated with the following publications: (PMID: 37704779, 39405291)